The following is an entry in ClinVar:

NM_033380.3(COL4A5):c.4937A>G (p.Tyr1646Cys)

Gene: COL4A5 (collagen type IV alpha 5 chain; plus strand). Cytogenetic location: Xq22.3.
Variant type: single nucleotide variant.
Coding change: c.4937A>G on transcript NM_033380.3 (MANE Select); coding-DNA position 4937, A replaced by G.
Protein change: p.Tyr1646Cys; replaces tyrosine 1646 with cysteine.
Molecular consequence: missense variant.
Genome position (GRCh38, 1-based): chrX:108,695,382, A>G. VCF-style: chrX-108695382-A-G. GRCh37 (hg19) VCF-style: chrX-107938612-A-G.
Other names: c.4919A>G, p.Tyr1640Cys (NM_000495.5); c.4919A>G (NM_000495.3); short protein forms Y1640C, Y1646C.
Identifiers: ClinVar variation 1330806 (VCV001330806.10), dbSNP rs937985430, ClinGen allele CA334063393.
Genomic context (GRCh38, chrX:108,695,382, plus strand): 5'-GCTTGGAAGAGTTTCGTTCAGCTCCCTTCATCGAATGTCATGGGAGGGGTACCTGTAACT[A>G]CTATGCCAACTCCTACAGCTTTTGGCTGGCAACTGTAGATGTGTCAGACATGTTCAGGTA-3'
Protein context (NP_203699.1, residues 1636-1656): IECHGRGTCN[Tyr1646Cys]YANSYSFWLA

ClinVar aggregate classification (germline): Uncertain significance. Review status: criteria provided, multiple submitters, no conflicts (2 of 4 stars). 4 submissions from 4 submitters: Uncertain significance (4). Last evaluated 2022-09-06.

Conditions:
Inborn genetic diseases. Identifiers: MedGen C0950123, MeSH D030342.
X-linked Alport syndrome (ATS1). Also called: COL4A5-Related Nephropathy; NEPHROPATHY AND DEAFNESS, X-LINKED. Identifiers: Orphanet 63, Orphanet 88917, MedGen C4746986, MONDO:0010520, OMIM 301050.

Allele frequency attached by ClinVar (database versions not stated): TOPMed 0.00002; gnomAD exomes 0.00001.
gnomAD v4.1: 9 of 1,211,389 alleles (0.00074%); highest among the groups gnomAD compares: South Asian, 0.0018%; no homozygotes.

Submissions (4):

Ambry Genetics
Classification: Uncertain significance for Inborn genetic diseases. Last evaluated: 2022-09-06. Review status: criteria provided, single submitter. Criteria: Ambry Variant Classification Scheme 2023. Collection method: clinical testing. Allele origin: germline.

Labcorp Genetics (formerly Invitae), Labcorp
Classification: Uncertain significance. Last evaluated: 2022-07-18. Review status: criteria provided, single submitter. Criteria: Invitae Variant Classification Sherloc (09022015). Collection method: clinical testing. Allele origin: germline.
Comment: This sequence change replaces tyrosine, which is neutral and polar, with cysteine, which is neutral and slightly polar, at codon 1640 of the COL4A5 protein (p.Tyr1640Cys). This variant is present in population databases (no rsID available, gnomAD 0.003%). This variant has not been reported in the literature in individuals affected with COL4A5-related conditions. ClinVar contains an entry for this variant (Variation ID: 1330806). Advanced modeling of protein sequence and biophysical properties (such as structural, functional, and spatial information, amino acid conservation, physicochemical variation, residue mobility, and thermodynamic stability) performed at Invitae indicates that this missense variant is expected to disrupt COL4A5 protein function. In summary, the available evidence is currently insufficient to determine the role of this variant in disease. Therefore, it has been classified as a Variant of Uncertain Significance.

Fulgent Genetics
Classification: Uncertain significance for X-linked Alport syndrome. Last evaluated: 2021-12-29. Review status: criteria provided, single submitter. Criteria: ACMG Guidelines, 2015. Collection method: clinical testing. Allele origin: unknown.

ARUP Laboratories, Molecular Genetics and Genomics, ARUP Laboratories
Classification: Uncertain significance for X-linked Alport syndrome. Last evaluated: 2021-09-26. Review status: criteria provided, single submitter. Criteria: ARUP Molecular Germline Variant Investigation Process 2021. Collection method: clinical testing. Allele origin: germline.
Comment: The COL4A5 c.4919A>G; p.Tyr1640Cys (rs937985430), to our knowledge, is not reported in the medical literature or gene specific databases. This variant is only observed on two alleles in the Genome Aggregation Database, indicating it is not a common polymorphism. The tyrosine at codon 1640 is highly conserved, and computational analyses predict that this variant is deleterious (REVEL: 0.938). Additionally, this variant creates a cysteine residue in the non-collagenous (NC) domain, which is critical for collagen chain assembly and considered a well-established functional domain (Savige 2021, Sundaramoorthy 2002). The NC domain contains 12 highly conserved cysteine residues and the disulfide bridges formed between these residues are essential for protein folding and stability; loss of one of these cysteines may interfere with proper disulfide bridge formation, disrupting protein structure. While it is possible that creation of a cysteine residue would impact protein structure, there is insufficient evidence at this time. Therefore, due to limited information, the clinical significance of the p.Tyr1640Cys variant is uncertain at this time. References: Savige J et al. Consensus statement on standards and guidelines for the molecular diagnostics of Alport syndrome: refining the ACMG criteria. Eur J Hum Genet. 2021 Aug;29(8):1186-1197. PMID: 33854215. Sundaramoorthy M et al. Crystal structure of NC1 domains. Structural basis for type IV collagen assembly in basement membranes. J Biol Chem. 2002 Aug 23;277(34):31142-53. PMID: 11970952.